The following is an entry in ClinVar:

ClinVar aggregate classification (germline): Uncertain significance (1 of 4 stars; one submission).

Submission:

Women's Health and Genetics/Laboratory Corporation of America, LabCorp
Classification: Uncertain significance. Last evaluated: 2021-03-24. Review status: criteria provided, single submitter. Criteria: LabCorp Variant Classification Summary - May 2015. Collection method: clinical testing. Allele origin: germline.
Comment: Variant summary: GRIN2B c.2341C>A (p.Leu781Met) results in a conservative amino acid change located in the Ionotropic glutamate receptor domain (IPR001320) of the encoded protein sequence. Three of five in-silico tools predict a damaging effect of the variant on protein function. The variant was absent in 248038 control chromosomes (gnomAD). The available data on variant occurrences in the general population are insufficient to allow any conclusion about variant significance. To our knowledge, no occurrence of c.2341C>A in individuals affected with Mental Retardation, Autosomal Dominant 6 and no experimental evidence demonstrating its impact on protein function have been reported. No clinical diagnostic laboratories have submitted clinical-significance assessments for this variant to ClinVar after 2014. Based on the evidence outlined above, the variant was classified as uncertain significance.

NM_000834.5(GRIN2B):c.2341C>A (p.Leu781Met)

Gene: GRIN2B (glutamate ionotropic receptor NMDA type subunit 2B; minus strand). Cytogenetic location: 12p13.1.
Variant type: single nucleotide variant.
Coding change: c.2341C>A on transcript NM_000834.5 (MANE Select); coding-DNA position 2341, C replaced by A.
Protein change: p.Leu781Met; replaces leucine 781 with methionine.
Molecular consequence: missense variant.
Genome position (GRCh38, 1-based): chr12:13,569,848, G>T on the plus strand (C>A on the coding strand, the complement: GRIN2B is on the minus strand). VCF-style: chr12-13569848-G-T. GRCh37 (hg19) VCF-style: chr12-13722782-G-T.
Other names: short protein forms L781M.
Identifiers: ClinVar variation 1050841 (VCV001050841.1), dbSNP rs1064796752, ClinGen allele CA383997990.